The following is an entry in ClinVar:

ClinVar aggregate classification (germline): Uncertain significance (1 of 4 stars; one submission).

Conditions:
Neutropenia, severe congenital, 1, autosomal dominant. Identifiers: MedGen C1859966, MONDO:0042490, OMIM 202700.
Cyclical neutropenia. Also called: Cyclic Neutropenia; Cyclic hematopoiesis. Identifiers: Orphanet 2686, MedGen C0221023, MONDO:0008090, OMIM 162800, HP:0040289. Disease mechanism: loss of function.

Submission:

Labcorp Genetics (formerly Invitae), Labcorp
Classification: Uncertain significance for Neutropenia, severe congenital, 1, autosomal dominant; Cyclical neutropenia. Last evaluated: 2024-12-10. Review status: criteria provided, single submitter. Criteria: Invitae Variant Classification Sherloc (09022015). Collection method: clinical testing. Allele origin: germline.
Comment: This sequence change replaces leucine, which is neutral and non-polar, with phenylalanine, which is neutral and non-polar, at codon 158 of the ELANE protein (p.Leu158Phe). This variant is not present in population databases (gnomAD no frequency). This variant has not been reported in the literature in individuals affected with ELANE-related conditions. ClinVar contains an entry for this variant (Variation ID: 1476090). Invitae Evidence Modeling of protein sequence and biophysical properties (such as structural, functional, and spatial information, amino acid conservation, physicochemical variation, residue mobility, and thermodynamic stability) indicates that this missense variant is not expected to disrupt ELANE protein function with a negative predictive value of 95%. In summary, the available evidence is currently insufficient to determine the role of this variant in disease. Therefore, it has been classified as a Variant of Uncertain Significance.

NM_001972.4(ELANE):c.472C>T (p.Leu158Phe)

Gene: ELANE (elastase, neutrophil expressed; plus strand). Cytogenetic location: 19p13.3.
Variant type: single nucleotide variant.
Coding change: c.472C>T on transcript NM_001972.4 (MANE Select); coding-DNA position 472, C replaced by T.
Protein change: p.Leu158Phe; replaces leucine 158 with phenylalanine.
Molecular consequence: missense variant.
Genome position (GRCh38, 1-based): chr19:855,669, C>T. VCF-style: chr19-855669-C-T. GRCh37 (hg19) VCF-style: chr19-855669-C-T.
Other names: short protein forms L158F.
Identifiers: ClinVar variation 1476090 (VCV001476090.8), dbSNP rs535990034, ClinGen allele CA402918237.
Genomic context (GRCh38, chr19:855,669, plus strand): 5'-CTGCCGGCTCAGGGACGCCGCCTGGGCAACGGGGTGCAGTGCCTGGCCATGGGCTGGGGC[C>T]TTCTGGGCAGGAACCGTGGGATCGCCAGCGTCCTGCAGGAGCTCAACGTGACGGTGGTGA-3'
Protein context (NP_001963.1, residues 148-168): GVQCLAMGWG[Leu158Phe]LGRNRGIASV